The following is an entry in ClinVar:

ClinVar aggregate classification (germline): Conflicting classifications of pathogenicity. Review status: criteria provided, conflicting classifications (1 of 4 stars). 2 submissions from 2 submitters: Likely pathogenic (1); Uncertain significance (1). Last evaluated 2025-07-31.

Allele frequency attached by ClinVar (database versions not stated): gnomAD exomes below 0.00001.

Submissions (2):

Women's Health and Genetics/Laboratory Corporation of America, LabCorp
Classification: Uncertain significance. Last evaluated: 2025-07-31. Review status: criteria provided, single submitter. Criteria: LabCorp Variant Classification Summary - May 2015. Collection method: clinical testing. Allele origin: germline.
Comment: Variant summary: TGM1 c.1571G>T (p.Gly524Val) results in a non-conservative amino acid change in the encoded protein sequence. Algorithms developed to predict the effect of missense changes on protein structure and function all suggest that this variant is likely to be disruptive. The variant was absent in 251356 control chromosomes. The available data on variant occurrences in the general population are insufficient to allow any conclusion about variant significance. To our knowledge, no occurrence of c.1571G>T in individuals affected with Lamellar Ichthyosis and no experimental evidence demonstrating its impact on protein function have been reported. ClinVar contains an entry for this variant (Variation ID: 2696733). Based on the evidence outlined above, the variant was classified as uncertain significance.

Labcorp Genetics (formerly Invitae), Labcorp
Classification: Likely pathogenic. Last evaluated: 2023-11-17. Review status: criteria provided, single submitter. Criteria: Invitae Variant Classification Sherloc (09022015). Collection method: clinical testing. Allele origin: germline.
Comment: This sequence change replaces glycine, which is neutral and non-polar, with valine, which is neutral and non-polar, at codon 524 of the TGM1 protein (p.Gly524Val). This variant is not present in population databases (gnomAD no frequency). This variant has not been reported in the literature in individuals affected with TGM1-related conditions. Advanced modeling of protein sequence and biophysical properties (such as structural, functional, and spatial information, amino acid conservation, physicochemical variation, residue mobility, and thermodynamic stability) performed at Invitae indicates that this missense variant is expected to disrupt TGM1 protein function with a positive predictive value of 95%. This variant disrupts the p.Gly524 amino acid residue in TGM1. Other variant(s) that disrupt this residue have been determined to be pathogenic (PMID: 22801880, 28747283). This suggests that this residue is clinically significant, and that variants that disrupt this residue are likely to be disease-causing. In summary, the currently available evidence indicates that the variant is pathogenic, but additional data are needed to prove that conclusively. Therefore, this variant has been classified as Likely Pathogenic.

Literature cited by the submitters: PubMed 22801880 (cited by Labcorp Genetics (formerly Invitae), Labcorp); PubMed 28747283 (cited by Labcorp Genetics (formerly Invitae), Labcorp).

NM_000359.3(TGM1):c.1571G>T (p.Gly524Val)

Gene: TGM1 (transglutaminase 1; minus strand). Cytogenetic location: 14q12.
Variant type: single nucleotide variant.
Coding change: c.1571G>T on transcript NM_000359.3 (MANE Select); coding-DNA position 1571, G replaced by T.
Protein change: p.Gly524Val; replaces glycine 524 with valine.
Molecular consequence: missense variant.
Genome position (GRCh38, 1-based): chr14:24,255,438, C>A on the plus strand (G>T on the coding strand, the complement: TGM1 is on the minus strand). VCF-style: chr14-24255438-C-A. GRCh37 (hg19) VCF-style: chr14-24724644-C-A.
Other names: short protein forms G524V.
Identifiers: ClinVar variation 2696733 (VCV002696733.5), dbSNP rs2502494955, ClinGen allele CA389253980.
Genomic context (GRCh38, chr14:24,255,438, plus strand): 5'-TAGAGGTAGGTGATGTCCTCCCGCATGTTGGAGCTGATGGCCTTTGTGACAATGAGTGTG[C>A]CGATGGCCTTCTCCTCCACATAAACAATCTTGAAGCTGCCATCATCCTGCCGCTGCCAGT-3'
Protein context (NP_000350.1, residues 514-534): KIVYVEEKAI[Gly524Val]TLIVTKAISS